The following is an entry in ClinVar:

ClinVar aggregate classification (germline): Benign (1 of 4 stars; one submission).

Conditions:
Tuberous sclerosis 1 (TSC1). Identifiers: Orphanet 805, MedGen C1854465, MONDO:0008612, OMIM 191100.

Submission:

Myriad Genetics, Inc.
Classification: Benign for Tuberous sclerosis 1. Last evaluated: 2025-04-29. Review status: criteria provided, single submitter. Criteria: Myriad Autosomal Dominant, Autosomal Recessive and X-Linked Classification Criteria (2023). Collection method: clinical testing. Allele origin: unknown.
Comment: This variant is considered benign. This variant is a silent/synonymous amino acid change and it is not expected to impact splicing.

NM_000368.5(TSC1):c.3060C>G (p.Thr1020=)

Gene: TSC1 (TSC complex subunit 1; minus strand). Cytogenetic location: 9q34.13.
Variant type: single nucleotide variant.
Coding change: c.3060C>G on transcript NM_000368.5 (MANE Select); coding-DNA position 3060, C replaced by G.
Protein change: p.Thr1020=; no amino-acid change (threonine 1020 retained).
Molecular consequence: synonymous variant. On other transcripts: non-coding transcript variant (5).
Genome position (GRCh38, 1-based): chr9:132,896,670, G>C on the plus strand (C>G on the coding strand, the complement: TSC1 is on the minus strand). VCF-style: chr9-132896670-G-C. GRCh37 (hg19) VCF-style: chr9-135772057-G-C.
Other names: c.2109C>G, p.Thr703= (NM_001406626.1); c.2106C>G, p.Thr702= (NM_001406627.1, NM_001406628.1); c.2007C>G, p.Thr669= (NM_001406629.1, NM_001406630.1); c.3057C>G, p.Thr1019= (NM_001162426.2, NM_001406597.1, NM_001406598.1 and 2 more transcripts); c.2907C>G, p.Thr969= (NM_001162427.2, NM_001406610.1); c.2697C>G, p.Thr899= (NM_001362177.2, NM_001406614.1, NM_001406615.1 and 4 more transcripts); c.3060C>G, p.Thr1020= (NM_001406592.1, NM_001406593.1, NM_001406594.1 and 2 more transcripts); c.3045C>G, p.Thr1015= (NM_001406601.1, NM_001406602.1); and 8 more.
Identifiers: ClinVar variation 4071268 (VCV004071268.1).
Genomic context (GRCh38, chr9:132,896,670, plus strand): 5'-GCTGCTGCTGCCTCCACCACCTCTGCTTCCACTACTGCCCCGGGCGCTGCTGGGCCTGGG[G>C]GTCTTGGTCTCACCGTTGTGGCCAGATGCCTCTTCATTGTGCCCTACCATGGAATCTGAG-3'
Protein context (NP_000359.1, residues 1010-1030): EASGHNGETK[Thr1020=]PRPSSARGSS